The following is an entry in ClinVar:

NM_001363711.2(DUOX2):c.1973G>A (p.Arg658Lys)

Gene: DUOX2 (dual oxidase 2; minus strand). Cytogenetic location: 15q21.1.
Variant type: single nucleotide variant.
Coding change: c.1973G>A on transcript NM_001363711.2 (MANE Select); coding-DNA position 1973, G replaced by A.
Protein change: p.Arg658Lys; replaces arginine 658 with lysine.
Molecular consequence: missense variant.
Genome position (GRCh38, 1-based): chr15:45,106,300, C>T on the plus strand (G>A on the coding strand, the complement: DUOX2 is on the minus strand). VCF-style: chr15-45106300-C-T. GRCh37 (hg19) VCF-style: chr15-45398498-C-T.
Other names: c.1973G>A, p.Arg658Lys (NM_014080.5); short protein forms R658K.
Identifiers: ClinVar variation 2096719 (VCV002096719.4), dbSNP rs2504766597, ClinGen allele CA392273438.

ClinVar aggregate classification (germline): Uncertain significance (1 of 4 stars; one submission).

Submission:

Labcorp Genetics (formerly Invitae), Labcorp
Classification: Uncertain significance. Last evaluated: 2022-02-11. Review status: criteria provided, single submitter. Criteria: Invitae Variant Classification Sherloc (09022015). Collection method: clinical testing. Allele origin: germline.
Comment: In summary, the available evidence is currently insufficient to determine the role of this variant in disease. Therefore, it has been classified as a Variant of Uncertain Significance. This sequence change replaces arginine, which is basic and polar, with lysine, which is basic and polar, at codon 658 of the DUOX2 protein (p.Arg658Lys). This variant is not present in population databases (gnomAD no frequency). This variant has not been reported in the literature in individuals affected with DUOX2-related conditions. Advanced modeling of protein sequence and biophysical properties (such as structural, functional, and spatial information, amino acid conservation, physicochemical variation, residue mobility, and thermodynamic stability) performed at Invitae indicates that this missense variant is not expected to disrupt DUOX2 protein function.